The following is an entry in ClinVar:

ClinVar aggregate classification (germline): Uncertain significance. Review status: criteria provided, multiple submitters, no conflicts (2 of 4 stars). 3 submissions from 3 submitters: Uncertain significance (3). Last evaluated 2025-10-03.

Conditions:
Congenital disorder of glycosylation, type IIq. Also called: CDG IIq. Identifiers: Orphanet 435934, MedGen C4479353, MONDO:0054559, OMIM 617395.

Allele frequency attached by ClinVar (database versions not stated): ExAC 0.00005; gnomAD 0.00007; ESP Exome Variant Server 0.00008; gnomAD exomes 0.00008 and 0.00012; TOPMed 0.00008.
gnomAD v4.1: 191 of 1,613,162 alleles (0.012%); highest among the groups gnomAD compares: Middle Eastern, 0.033%; no homozygotes.

Submissions (3):

Ambry Genetics
Classification: Uncertain significance. Last evaluated: 2025-10-03. Review status: criteria provided, single submitter. Criteria: Ambry Variant Classification Scheme 2023. Collection method: clinical testing. Allele origin: germline.

Labcorp Genetics (formerly Invitae), Labcorp
Classification: Uncertain significance for Congenital disorder of glycosylation, type IIq. Last evaluated: 2021-11-20. Review status: criteria provided, single submitter. Criteria: Invitae Variant Classification Sherloc (09022015). Collection method: clinical testing. Allele origin: germline.
Comment: This sequence change replaces arginine, which is basic and polar, with tryptophan, which is neutral and slightly polar, at codon 356 of the COG2 protein (p.Arg356Trp). This variant is present in population databases (rs200705175, gnomAD 0.01%). This variant has not been reported in the literature in individuals affected with COG2-related conditions. ClinVar contains an entry for this variant (Variation ID: 806379). Algorithms developed to predict the effect of missense changes on protein structure and function are either unavailable or do not agree on the potential impact of this missense change (SIFT: "Deleterious"; PolyPhen-2: "Possibly Damaging"; Align-GVGD: "Class C0"). In summary, the available evidence is currently insufficient to determine the role of this variant in disease. Therefore, it has been classified as a Variant of Uncertain Significance.

CeGaT Center for Human Genetics Tuebingen
Classification: Uncertain significance. Last evaluated: 2019-04-01. Review status: criteria provided, single submitter. Criteria: CeGaT Center For Human Genetics Tuebingen Variant Classification Criteria Version 2. Collection method: clinical testing. Allele origin: germline. Affected: yes. Observed: 1 variant allele.

NM_007357.3(COG2):c.1066C>T (p.Arg356Trp)

Gene: COG2 (component of oligomeric golgi complex 2; plus strand). Cytogenetic location: 1q42.2.
Variant type: single nucleotide variant.
Coding change: c.1066C>T on transcript NM_007357.3 (MANE Select); coding-DNA position 1066, C replaced by T.
Protein change: p.Arg356Trp; replaces arginine 356 with tryptophan.
Molecular consequence: missense variant.
Genome position (GRCh38, 1-based): chr1:230,678,952, C>T. VCF-style: chr1-230678952-C-T. GRCh37 (hg19) VCF-style: chr1-230814698-C-T.
Other names: c.1066C>T, p.Arg356Trp (NM_001145036.2); short protein forms R356W.
Identifiers: ClinVar variation 806379 (VCV000806379.45), dbSNP rs200705175, ClinGen allele CA1447655.